The following is an entry in ClinVar:

ClinVar aggregate classification (germline): Conflicting classifications of pathogenicity. Review status: criteria provided, conflicting classifications (1 of 4 stars). 5 submissions from 5 submitters: Uncertain significance (1); Benign (2); Likely benign (2). Last evaluated 2024-10-24.

Conditions:
Congenital adrenal hyperplasia. Identifiers: Orphanet 418, MedGen C0001627, MONDO:0018479, HP:0008258.

Allele frequency attached by ClinVar (database versions not stated): gnomAD exomes 0.00003 and 0.00005; ExAC 0.00010; gnomAD 0.00017 and 0.00016.
gnomAD v4.1: 76 of 1,611,420 alleles (0.0047%); highest among the groups gnomAD compares: Admixed American, 0.028%; no homozygotes.

Submissions (5):

Blueprint Genetics
Classification: Likely benign. Last evaluated: 2024-10-24. Review status: criteria provided, single submitter. Criteria: ACMG Guidelines, 2015. Collection method: clinical testing. Allele origin: germline.

Athena Diagnostics
Classification: Benign. Last evaluated: 2024-07-11. Review status: criteria provided, single submitter. Criteria: Athena Diagnostics Criteria. Collection method: clinical testing. Allele origin: unknown.

Greenwood Genetic Center Diagnostic Laboratories, Greenwood Genetic Center
Classification: Uncertain significance. Last evaluated: 2023-05-25. Review status: criteria provided, single submitter. Criteria: ACMG Guidelines, 2015. Collection method: clinical testing. Allele origin: germline. Affected: yes.
Comment: PM2

Women's Health and Genetics/Laboratory Corporation of America, LabCorp
Classification: Likely benign for Congenital Adrenal Hyperplasia. Last evaluated: 2011-08-18. Review status: criteria provided, single submitter. Criteria: LabCorp Variant Classification Summary - May 2015. Collection method: curation, clinical testing. Allele origin: germline. Inheritance: autosomal unknown. Affected: yes.
ClinVar note: Converted during submission from likely benign to Likely benign.

PreventionGenetics, part of Exact Sciences
Classification: Benign. Review status: criteria provided, single submitter. Criteria: ACMG Guidelines, 2015. Collection method: clinical testing. Allele origin: germline.

Literature cited by the submitters: PubMed 22156666 (cited by Athena Diagnostics); PubMed 12788880 (cited by Women's Health and Genetics/Laboratory Corporation of America, LabCorp).

NM_000500.9(CYP21A2):c.342C>T (p.Ser114=)

Genes: CYP21A2 (cytochrome P450 family 21 subfamily A member 2; plus strand), LOC106780800 (CYP21A2 recombination region; plus strand). Cytogenetic location: 6p21.33.
Variant type: single nucleotide variant.
Coding change: c.342C>T on transcript NM_000500.9 (MANE Select); coding-DNA position 342, C replaced by T.
Protein change: p.Ser114=; no amino-acid change (serine 114 retained).
Molecular consequence: synonymous variant. On other transcripts: 5 prime UTR variant (2).
Genome position (GRCh38, 1-based): chr6:32,039,143, C>T. VCF-style: chr6-32039143-C-T. GRCh37 (hg19) VCF-style: chr6-32006920-C-T.
Other names: c.252C>T, p.Ser84= (NM_001128590.4); c.-64C>T (NM_001368143.2, NM_001368144.2).
Identifiers: ClinVar variation 35995 (VCV000035995.10), dbSNP rs193922546, ClinGen allele CA213677.